The following is an entry in ClinVar:

ClinVar aggregate classification (germline): Uncertain significance (1 of 4 stars; one submission).

Submission:

Labcorp Genetics (formerly Invitae), Labcorp
Classification: Uncertain significance. Last evaluated: 2024-04-23. Review status: criteria provided, single submitter. Criteria: Invitae Variant Classification Sherloc (09022015). Collection method: clinical testing. Allele origin: germline.
Comment: This sequence change replaces alanine, which is neutral and non-polar, with serine, which is neutral and polar, at codon 214 of the GALNT3 protein (p.Ala214Ser). This variant is not present in population databases (gnomAD no frequency). This variant has not been reported in the literature in individuals affected with GALNT3-related conditions. Advanced modeling of protein sequence and biophysical properties (such as structural, functional, and spatial information, amino acid conservation, physicochemical variation, residue mobility, and thermodynamic stability) performed at Invitae indicates that this missense variant is not expected to disrupt GALNT3 protein function with a negative predictive value of 80%. In summary, the available evidence is currently insufficient to determine the role of this variant in disease. Therefore, it has been classified as a Variant of Uncertain Significance.

NM_004482.4(GALNT3):c.640G>T (p.Ala214Ser)

Gene: GALNT3 (polypeptide N-acetylgalactosaminyltransferase 3; minus strand). Cytogenetic location: 2q24.3.
Variant type: single nucleotide variant.
Coding change: c.640G>T on transcript NM_004482.4 (MANE Select); coding-DNA position 640, G replaced by T.
Protein change: p.Ala214Ser; replaces alanine 214 with serine.
Molecular consequence: missense variant.
Genome position (GRCh38, 1-based): chr2:165,764,932, C>A on the plus strand (G>T on the coding strand, the complement: GALNT3 is on the minus strand). VCF-style: chr2-165764932-C-A. GRCh37 (hg19) VCF-style: chr2-166621442-C-A.
Other names: short protein forms A214S.
Identifiers: ClinVar variation 3672412 (VCV003672412.2).